The following is an entry in ClinVar:

ClinVar aggregate classification (germline): Uncertain significance (1 of 4 stars; one submission).

Conditions:
Glucose-6-phosphate transport defect (GSD1B). Also called: Glycogen Storage Disease Type Ib; GSD Ib. Identifiers: Orphanet 364, Orphanet 79259, MedGen C0268146, MONDO:0009288, OMIM 232220.

Allele frequency attached by ClinVar (database versions not stated): TOPMed below 0.00001.

Submission:

Labcorp Genetics (formerly Invitae), Labcorp
Classification: Uncertain significance for Glucose-6-phosphate transport defect. Last evaluated: 2021-10-18. Review status: criteria provided, single submitter. Criteria: Invitae Variant Classification Sherloc (09022015). Collection method: clinical testing. Allele origin: germline.
Comment: This sequence change replaces lysine with glutamic acid at codon 420 of the SLC37A4 protein (p.Lys420Glu). The lysine residue is highly conserved and there is a small physicochemical difference between lysine and glutamic acid. This variant is not present in population databases (ExAC no frequency). This variant has not been reported in the literature in individuals affected with SLC37A4-related conditions. Experimental studies and prediction algorithms are not available or were not evaluated, and the functional significance of this variant is currently unknown. In summary, the available evidence is currently insufficient to determine the role of this variant in disease. Therefore, it has been classified as a Variant of Uncertain Significance.

NM_001164277.2(SLC37A4):c.1258A>G (p.Lys420Glu)

Gene: SLC37A4 (solute carrier family 37 member 4; minus strand). Cytogenetic location: 11q23.3.
Variant type: single nucleotide variant.
Coding change: c.1258A>G on transcript NM_001164277.2 (MANE Select); coding-DNA position 1258, A replaced by G.
Protein change: p.Lys420Glu; replaces lysine 420 with glutamic acid.
Molecular consequence: missense variant.
Genome position (GRCh38, 1-based): chr11:119,024,942, T>C on the plus strand (A>G on the coding strand, the complement: SLC37A4 is on the minus strand). VCF-style: chr11-119024942-T-C. GRCh37 (hg19) VCF-style: chr11-118895652-T-C.
Other names: c.1258A>G, p.Lys420Glu (NM_001164280.2, NM_001467.6); c.1324A>G, p.Lys442Glu (NM_001164278.2); c.1039A>G, p.Lys347Glu (NM_001164279.2); short protein forms K347E, K420E, K442E.
Identifiers: ClinVar variation 1477708 (VCV001477708.3), dbSNP rs890913792, ClinGen allele CA229595650.
Genomic context (GRCh38, chr11:119,024,942, plus strand): 5'-GGATGGTGCTCCGGAACCTGGACTCTCTTCACTCAGCCTTCTTGGACACTCGGCCCATCT[T>C]GGTGCGGATGTTTCGTAGGAGGAAGAAGGCAGCCGTGCTGGCCGCACAAATCACTTCAGC-3'
Protein context (NP_001157749.1, residues 410-429): AFFLLRNIRT[Lys420Glu]MGRVSKKAE